The following is an entry in ClinVar:

ClinVar aggregate classification (germline): Likely benign. Review status: criteria provided, multiple submitters, no conflicts (2 of 4 stars). 2 submissions from 2 submitters: Likely benign (2). Last evaluated 2025-05-06.

Conditions:
CPE-related disorder. Also called: CPE-related condition.

gnomAD v4.1: 18 of 1,573,410 alleles (0.0011%); highest among the groups gnomAD compares: Non-Finnish European, 0.0015%; no homozygotes.

Submissions (2):

PreventionGenetics, part of Exact Sciences
Classification: Likely benign for CPE-related condition. Last evaluated: 2025-05-06. Review status: criteria provided, single submitter. Criteria: ACMG Guidelines, 2015. Collection method: clinical testing. Allele origin: germline.
Comment: This variant is classified as likely benign based on ACMG/AMP sequence variant interpretation guidelines (Richards et al. 2015 PMID: 25741868, with internal and published modifications).

Blueprint Genetics
Classification: Likely benign. Last evaluated: 2022-05-24. Review status: criteria provided, single submitter. Criteria: ACMG Guidelines, 2015. Collection method: clinical testing. Allele origin: germline.

NM_001873.4(CPE):c.510T>A (p.Gly170=)

Gene: CPE (carboxypeptidase E; plus strand). Cytogenetic location: 4q32.3.
Variant type: single nucleotide variant.
Coding change: c.510T>A on transcript NM_001873.4 (MANE Select); coding-DNA position 510, T replaced by A.
Protein change: p.Gly170=; no amino-acid change (glycine 170 retained).
Molecular consequence: synonymous variant.
Genome position (GRCh38, 1-based): chr4:165,467,693, T>A. VCF-style: chr4-165467693-T-A. GRCh37 (hg19) VCF-style: chr4-166388845-T-A.
Other names: c.510T>A (NM_001873.3).
Identifiers: ClinVar variation 4969009 (VCV004969009.2).